The following is an entry in ClinVar:

ClinVar aggregate classification (germline): Uncertain significance (1 of 4 stars; one submission).

Conditions:
Dyskeratosis congenita. Identifiers: Orphanet 1775, MedGen C0265965, MONDO:0015780.

Submission:

Ambry Genetics
Classification: Uncertain significance for Dyskeratosis congenita. Last evaluated: 2026-03-27. Review status: criteria provided, single submitter. Criteria: Ambry Variant Classification Scheme 2023. Collection method: clinical testing. Allele origin: germline.
Comment: The p.K594N variant (also known as c.1782G>C), located in coding exon 4 of the TERT gene, results from a G to C substitution at nucleotide position 1782. The lysine at codon 594 is replaced by asparagine, an amino acid with similar properties. This amino acid position is conserved. In addition, this alteration is predicted to be tolerated by in silico analysis. Based on the available evidence, the clinical significance of this variant remains unclear.

NM_198253.3(TERT):c.1782G>C (p.Lys594Asn)

Gene: TERT (telomerase reverse transcriptase; minus strand). Cytogenetic location: 5p15.33.
Variant type: single nucleotide variant.
Coding change: c.1782G>C on transcript NM_198253.3 (MANE Select); coding-DNA position 1782, G replaced by C.
Protein change: p.Lys594Asn; replaces lysine 594 with asparagine.
Molecular consequence: missense variant. On other transcripts: non-coding transcript variant (2).
Genome position (GRCh38, 1-based): chr5:1,280,326, C>G on the plus strand (G>C on the coding strand, the complement: TERT is on the minus strand). VCF-style: chr5-1280326-C-G. GRCh37 (hg19) VCF-style: chr5-1280441-C-G.
Other names: c.1782G>C, p.Lys594Asn (NM_001193376.3); short protein forms K594N.
Identifiers: ClinVar variation 4865457 (VCV004865457.1).